The following is an entry in ClinVar:

NM_001351295.2(ABCC8):c.*118A>G

Gene: ABCC8 (ATP binding cassette subfamily C member 8; minus strand). Cytogenetic location: 11p15.1.
Variant type: single nucleotide variant.
Coding change: c.*118A>G on transcript NM_001351295.2; 118 bases downstream of the stop codon, A replaced by G.
Molecular consequence: 3 prime UTR variant. On other transcripts: non-coding transcript variant (1).
Genome position (GRCh38, 1-based): chr11:17,392,873, T>C on the plus strand (A>G on the coding strand, the complement: ABCC8 is on the minus strand). VCF-style: chr11-17392873-T-C. GRCh37 (hg19) VCF-style: chr11-17414420-T-C.
Other names: c.*118A>G (NM_001351296.2, NM_001351297.2).
Identifiers: ClinVar variation 368948 (VCV000368948.7), dbSNP rs142441893, ClinGen allele CA10654473.

ClinVar aggregate classification (germline): Uncertain significance. Review status: criteria provided, single submitter (1 of 4 stars). 2 submissions from 1 submitter: Uncertain significance (2).

Conditions:
Transitory neonatal diabetes mellitus. Also called: Transient neonatal diabetes mellitus. Identifiers: MedGen C0342273, MONDO:0020525, HP:0008255.
Maturity-onset diabetes of the young (MODY). Also called: Maturity onset diabetes mellitus in young. Identifiers: Orphanet 552, MedGen C0342276, MONDO:0018911, HP:0004904.

Allele frequency attached by ClinVar (database versions not stated): 1000 Genomes Project 0.00040; gnomAD 0.00061 and 0.00062; TOPMed 0.00042; 1000 Genomes Project 30x 0.00047.
gnomAD v4.1: 1,130 of 1,290,168 alleles (0.088%); highest among the groups gnomAD compares: Non-Finnish European, 0.095%; 3 homozygotes.

Submissions (2):

Clinical Genomics, Uppaluri K&H Personalized Medicine Clinic
Classification: Uncertain significance for Maturity-onset diabetes of the young. Review status: criteria provided, single submitter. Criteria: K & H Uppaluri Personalized Medicine Clinic Variant Classification & Assertion Criteria_Updated V.1. Collection method: research. Allele origin: somatic. Inheritance: Somatic mutation.
Comment: Mutations in ABCC8 gene are associated with both neonatal diabetes mellitus as well as MODY. Patients with this mutation may have a better response to sulfonylureas. However, no sufficient evidence is found to ascertain the role of this particular variant (rs142441893 ) in MODY yet.

Clinical Genomics, Uppaluri K&H Personalized Medicine Clinic
Classification: Uncertain significance for Transitory neonatal diabetes mellitus. Review status: criteria provided, single submitter. Criteria: K & H Uppaluri Personalized Medicine Clinic Variant Classification & Assertion Criteria_Updated V.1. Collection method: research. Allele origin: somatic. Inheritance: Somatic mutation.
Comment: Mutations in ABCC8 gene are associated with both neonatal diabetes mellitus as well as MODY. Patients with this mutation may have a better response to sulfonylureas. However, no sufficient evidence is found to ascertain the role of this particular variant (rs142441893 ) in neonatal diabetes yet.

Literature cited by the submitters: PubMed 16885549; PubMed 21989597; PubMed 27538677; PubMed 18981553; PubMed 32027066; PubMed 16613899; PubMed 18025408; PubMed 32792356.